The following is an entry in ClinVar:

NM_000047.3(ARSL):c.1063G>A (p.Gly355Ser)

Gene: ARSL (arylsulfatase L; minus strand). Cytogenetic location: Xp22.33.
Variant type: single nucleotide variant.
Coding change: c.1063G>A on transcript NM_000047.3 (MANE Select); coding-DNA position 1063, G replaced by A.
Protein change: p.Gly355Ser; replaces glycine 355 with serine.
Molecular consequence: missense variant.
Genome position (GRCh38, 1-based): chrX:2,943,128, C>T on the plus strand (G>A on the coding strand, the complement: ARSL is on the minus strand). VCF-style: chrX-2943128-C-T. GRCh37 (hg19) VCF-style: chrX-2861169-C-T.
Other names: c.1138G>A, p.Gly380Ser (NM_001282628.2, NM_001369080.1); c.901G>A, p.Gly301Ser (NM_001282631.2); c.1090G>A, p.Gly364Ser (NM_001369079.1); short protein forms G301S, G355S, G364S, G380S.
Identifiers: ClinVar variation 3382486 (VCV003382486.3), dbSNP rs2089303360.

ClinVar aggregate classification (germline): Conflicting classifications of pathogenicity. Review status: criteria provided, conflicting classifications (1 of 4 stars). 2 submissions from 2 submitters: Likely pathogenic (1); Uncertain significance (1). Last evaluated 2020-05-07.

Conditions:
ARSE-related disorders.
X-linked chondrodysplasia punctata 1 (CDPX1). Also called: CHONDRODYSPLASIA PUNCTATA, BRACHYTELEPHALANGIC; Chondrodysplasia punctata, X-linked recessive. Identifiers: Orphanet 79345, MedGen C3669395, MONDO:0010555, OMIM 302950.

Submissions (2):

Blueprint Genetics
Classification: Likely pathogenic for ARSE-related disorders. Last evaluated: 2020-05-07. Review status: criteria provided, single submitter. Criteria: ACMG Guidelines, 2015. Collection method: clinical testing. Allele origin: germline. Affected: yes. Observed: 2 variant alleles.

Juno Genomics, Hangzhou Juno Genomics, Inc
Classification: Uncertain significance for X-linked chondrodysplasia punctata 1. Review status: criteria provided, single submitter. Criteria: ACMG Guidelines, 2015. Collection method: clinical testing. Allele origin: germline. Affected: yes.
Comment: Absent from controls (or at extremely low frequency if recessive) in Genome Aggregation Database, Exome Sequencing Project, 1000 Genomes Project, or Exome Aggregation Consortium.;Well-established in vitro or in vivo functional studies supportive of a damaging effect on the gene or gene product.;The prevalence of the variant in affected individuals is significantly increased compared to the prevalence in controls.;Patient's phenotype or family history is highly specific for a disease with a single genetic etiology.